The following is an entry in ClinVar:

NM_001375567.1(FOCAD):c.1793+4T>C

Gene: FOCAD (focadhesin; plus strand). Cytogenetic location: 9p21.3.
Variant type: single nucleotide variant.
Coding change: c.1793+4T>C on transcript NM_001375567.1 (MANE Select); 4 bases into the intron after coding-DNA position 1793, T replaced by C.
Molecular consequence: intron variant.
Genome position (GRCh38, 1-based): chr9:20,821,075, T>C. VCF-style: chr9-20821075-T-C. GRCh37 (hg19) VCF-style: chr9-20821074-T-C.
Other names: c.1793+4T>C (NM_017794.5); c.1688+4T>C (NM_001375568.1, NM_001375570.1).
Identifiers: ClinVar variation 4753352 (VCV004753352.1).

ClinVar aggregate classification (germline): Uncertain significance (1 of 4 stars; one submission).

gnomAD v4.1: 16 of 1,611,492 alleles (0.00099%); highest among the groups gnomAD compares: Non-Finnish European, 0.0014%; no homozygotes.

Submission:

Labcorp Genetics (formerly Invitae), Labcorp
Classification: Uncertain significance. Last evaluated: 2025-10-23. Review status: criteria provided, single submitter. Criteria: Invitae Variant Classification Sherloc (09022015). Collection method: clinical testing. Allele origin: germline.
Comment: This sequence change falls in intron 16 of the FOCAD gene. It does not directly change the encoded amino acid sequence of the FOCAD protein. It affects a nucleotide within the consensus splice site. This variant is not present in population databases (gnomAD no frequency). This variant has not been reported in the literature in individuals affected with FOCAD-related conditions. Variants that disrupt the consensus splice site are a relatively common cause of aberrant splicing (PMID: 17576681, 9536098). Algorithms developed to predict the effect of sequence changes on RNA splicing suggest that this variant is not likely to affect RNA splicing. In summary, the available evidence is currently insufficient to determine the role of this variant in disease. Therefore, it has been classified as a Variant of Uncertain Significance.

Literature cited by the submitters: PubMed 17576681; PubMed 9536098.